The following is an entry in ClinVar:

ClinVar aggregate classification (germline): Likely benign. Review status: criteria provided, multiple submitters, no conflicts (2 of 4 stars). 4 submissions from 4 submitters: Likely benign (3). 1 of the submissions does not count toward it. Last evaluated 2025-11-10.

Conditions:
NOTCH3-related disorder. Also called: NOTCH3-related condition; NOTCH3-related disorders.

Allele frequency attached by ClinVar (database versions not stated): gnomAD 0.00001.

Submissions (4):

Women's Health and Genetics/Laboratory Corporation of America, LabCorp
Classification: Likely benign. Last evaluated: 2025-11-10. Review status: criteria provided, single submitter. Criteria: LabCorp Variant Classification Summary - May 2015. Collection method: clinical testing. Allele origin: germline.

CeGaT Center for Human Genetics Tuebingen
Classification: Likely benign. Last evaluated: 2024-12-01. Review status: criteria provided, single submitter. Criteria: CeGaT Center For Human Genetics Tuebingen Variant Classification Criteria Version 2. Collection method: clinical testing. Allele origin: germline. Affected: yes. Observed: 1 variant allele.
Comment: NOTCH3: BP4, BP7

Blueprint Genetics
Classification: Likely benign. Last evaluated: 2024-03-26. Review status: criteria provided, single submitter. Criteria: ACMG Guidelines, 2015. Collection method: clinical testing. Allele origin: germline.

PreventionGenetics, part of Exact Sciences
Classification: Likely benign for NOTCH3-related condition. Last evaluated: 2023-01-30. Review status: no assertion criteria provided. Collection method: clinical testing. Allele origin: germline. Not counted in ClinVar's aggregate classification.
Comment: This variant is classified as likely benign based on ACMG/AMP sequence variant interpretation guidelines (Richards et al. 2015 PMID: 25741868, with internal and published modifications).

NM_000435.3(NOTCH3):c.882G>A (p.Thr294=)

Gene: NOTCH3 (notch receptor 3; minus strand). Cytogenetic location: 19p13.12.
Variant type: single nucleotide variant.
Coding change: c.882G>A on transcript NM_000435.3 (MANE Select); coding-DNA position 882, G replaced by A.
Protein change: p.Thr294=; no amino-acid change (threonine 294 retained).
Molecular consequence: synonymous variant.
Genome position (GRCh38, 1-based): chr19:15,191,578, C>T on the plus strand (G>A on the coding strand, the complement: NOTCH3 is on the minus strand). VCF-style: chr19-15191578-C-T. GRCh37 (hg19) VCF-style: chr19-15302389-C-T.
Identifiers: ClinVar variation 3043863 (VCV003043863.17), dbSNP rs998446906, ClinGen allele CA305777251.